The following is an entry in ClinVar:

ClinVar aggregate classification (germline): Likely pathogenic. Review status: criteria provided, single submitter (1 of 4 stars). 2 submissions from 2 submitters: Likely pathogenic (1). 1 of the submissions does not count toward it. Last evaluated 2020-01-20.

Conditions:
Tay-Sachs disease, variant AB. Also called: Gm2-gangliosidosis, ab variant; GM2 Activator Deficiency. Identifiers: Orphanet 309246, MedGen C0268275, MONDO:0010099, OMIM 272750.

Submissions (2):

Institute of Human Genetics, University of Leipzig Medical Center
Classification: Likely pathogenic for Tay-Sachs disease, variant AB. Last evaluated: 2020-01-20. Review status: criteria provided, single submitter. Criteria: ACMG Guidelines, 2015. Collection method: clinical testing. Allele origin: de novo. Affected: yes. Observed: 1 variant allele.
Comment: This variant was identified as homozygous

OMIM
Classification: Pathogenic for GM2-GANGLIOSIDOSIS, AB VARIANT. Last evaluated: 1996-11-01. Review status: no assertion criteria provided. Collection method: literature only. Allele origin: germline. Not counted in ClinVar's aggregate classification.

Literature cited by the submitters: PubMed 8900233 (cited by OMIM).

NM_000405.5(GM2A):c.262_264del (p.Lys88del)

Gene: GM2A (ganglioside GM2 activator; plus strand). Cytogenetic location: 5q33.1.
Variant type: Deletion.
Coding change: c.262_264del on transcript NM_000405.5 (MANE Select); coding-DNA positions 262 to 264, 3 bases deleted (AAG; older notation c.262_264delAAG).
Protein change: p.Lys88del; deletes lysine 88.
Molecular consequence: inframe deletion.
Genome position (GRCh38, 1-based): chr5:151,266,749-151,266,751, AAG deleted; deleting any 3 consecutive bases within chr5:151,266,747-151,266,751 gives the same sequence; the c. name uses the placement nearest the transcript's 3' end. VCF-style (leftmost placement, unchanged base first): chr5-151266746-GAGA-G. GRCh37 (hg19) VCF-style: chr5-150646307-GAGA-G.
Other names: c.262_264del, p.Lys88del (NM_001167607.3); short protein forms K88del.
Identifiers: ClinVar variation 976256 (VCV000976256.2), dbSNP rs1753894328, ClinGen allele CA1139659201.